The following is an entry in ClinVar:

NM_198505.4(ATP13A5):c.389G>A (p.Arg130Gln)

Gene: ATP13A5 (ATPase 13A5; minus strand). Cytogenetic location: 3q29.
Variant type: single nucleotide variant.
Coding change: c.389G>A on transcript NM_198505.4 (MANE Select); coding-DNA position 389, G replaced by A.
Protein change: p.Arg130Gln; replaces arginine 130 with glutamine.
Molecular consequence: missense variant.
Genome position (GRCh38, 1-based): chr3:193,362,633, C>T on the plus strand (G>A on the coding strand, the complement: ATP13A5 is on the minus strand). VCF-style: chr3-193362633-C-T. GRCh37 (hg19) VCF-style: chr3-193080422-C-T.
Other names: short protein forms R130Q.
Identifiers: ClinVar variation 4829653 (VCV004829653.1).

ClinVar aggregate classification (germline): Uncertain significance (1 of 4 stars; one submission).

gnomAD v4.1: 17 of 1,614,120 alleles (0.0011%); highest among the groups gnomAD compares: African/African-American, 0.0067%; no homozygotes.

Submission:

Ambry Genetics
Classification: Uncertain significance. Last evaluated: 2026-03-10. Review status: criteria provided, single submitter. Criteria: Ambry Variant Classification Scheme 2023. Collection method: clinical testing. Allele origin: germline.
Comment: The c.389G>A (p.R130Q) alteration is located in exon 4 (coding exon 4) of the ATP13A5 gene. This alteration results from a G to A substitution at nucleotide position 389, causing the arginine (R) at amino acid position 130 to be replaced by a glutamine (Q). Based on data from gnomAD, the A allele has an overall frequency of 0.003% (8/249572) total alleles studied. The highest observed frequency was 0.006% (1/16190) of African alleles. Based on insufficient or conflicting evidence, the clinical significance of this alteration remains unclear.